The following is an entry in ClinVar:

ClinVar aggregate classification (germline): Uncertain significance. Review status: criteria provided, multiple submitters, no conflicts (2 of 4 stars). 3 submissions from 3 submitters: Uncertain significance (3). Last evaluated 2022-08-23.

Conditions:
Spastic paraplegia. Identifiers: MedGen C0037772, HP:0001258.
Hereditary spastic paraplegia 15 (SPG15). Also called: SPASTIC PARAPLEGIA 15, AUTOSOMAL RECESSIVE; KJELLIN SYNDROME; SPASTIC PARAPLEGIA AND RETINAL DEGENERATION. Identifiers: Orphanet 100996, MedGen C1849128, MONDO:0010044, OMIM 270700.

Allele frequency attached by ClinVar (database versions not stated): gnomAD exomes 0.00009; ExAC 0.00015; gnomAD 0.00034 and 0.00036; TOPMed 0.00036; ESP Exome Variant Server 0.00046; 1000 Genomes Project 0.00060; 1000 Genomes Project 30x 0.00062.
gnomAD v4.1: 106 of 1,614,222 alleles (0.0066%); highest among the groups gnomAD compares: African/African-American, 0.12%; no homozygotes.

Submissions (4):

Labcorp Genetics (formerly Invitae), Labcorp
Classification: Uncertain significance for Spastic paraplegia. Last evaluated: 2022-08-23. Review status: criteria provided, single submitter. Criteria: Invitae Variant Classification Sherloc (09022015). Collection method: clinical testing. Allele origin: germline.
Comment: This sequence change replaces leucine, which is neutral and non-polar, with valine, which is neutral and non-polar, at codon 2217 of the ZFYVE26 protein (p.Leu2217Val). This variant is present in population databases (rs149104493, gnomAD 0.1%). This variant has not been reported in the literature in individuals affected with ZFYVE26-related conditions. ClinVar contains an entry for this variant (Variation ID: 1027979). Algorithms developed to predict the effect of missense changes on protein structure and function are either unavailable or do not agree on the potential impact of this missense change (SIFT: "Deleterious"; PolyPhen-2: "Probably Damaging"; Align-GVGD: "Class C0"). Algorithms developed to predict the effect of sequence changes on RNA splicing suggest that this variant may disrupt the consensus splice site. In summary, the available evidence is currently insufficient to determine the role of this variant in disease. Therefore, it has been classified as a Variant of Uncertain Significance.

Mayo Clinic Laboratories, Mayo Clinic
Classification: Uncertain significance. Last evaluated: 2020-02-25. Review status: criteria provided, single submitter. Criteria: ACMG Guidelines, 2015. Collection method: clinical testing. Allele origin: germline. Observed: 1 variant allele.

Baylor Genetics
Classification: Uncertain significance for Hereditary spastic paraplegia 15. Last evaluated: 2019-01-29. Review status: criteria provided, single submitter. Criteria: ACMG Guidelines, 2015. Collection method: clinical testing. Allele origin: unknown. Affected: yes.
Comment: This variant was determined to be of uncertain significance according to ACMG Guidelines, 2015 [PMID:25741868].

Dr. Peter K. Rogan Lab, Western University
No classification provided (evidence only). Condition: Familial cancer of breast. Review status: no classification provided. Collection method: in vitro. Allele origin: not applicable. Functional consequence: retained intron. Not counted in ClinVar's aggregate classification.

NM_015346.4(ZFYVE26):c.6649C>G (p.Leu2217Val)

Gene: ZFYVE26 (zinc finger FYVE-type containing 26; minus strand). Cytogenetic location: 14q24.1.
Variant type: single nucleotide variant.
Coding change: c.6649C>G on transcript NM_015346.4 (MANE Select); coding-DNA position 6649, C replaced by G.
Protein change: p.Leu2217Val; replaces leucine 2217 with valine.
Molecular consequence: missense variant.
Genome position (GRCh38, 1-based): chr14:67,756,085, G>C on the plus strand (C>G on the coding strand, the complement: ZFYVE26 is on the minus strand). VCF-style: chr14-67756085-G-C. GRCh37 (hg19) VCF-style: chr14-68222802-G-C.
Other names: short protein forms L2217V.
Identifiers: ClinVar variation 1027979 (VCV001027979.9), dbSNP rs149104493, ClinGen allele CA7239162.